The following is an entry in ClinVar:

NM_001205293.3(CACNA1E):c.359T>A (p.Met120Lys)

Gene: CACNA1E (calcium voltage-gated channel subunit alpha1 E; plus strand). Cytogenetic location: 1q25.3.
Variant type: single nucleotide variant.
Coding change: c.359T>A on transcript NM_001205293.3 (MANE Select); coding-DNA position 359, T replaced by A.
Protein change: p.Met120Lys; replaces methionine 120 with lysine.
Molecular consequence: missense variant.
Genome position (GRCh38, 1-based): chr1:181,510,569, T>A. VCF-style: chr1-181510569-T-A. GRCh37 (hg19) VCF-style: chr1-181479705-T-A.
Other names: c.359T>A, p.Met120Lys (NM_000721.4, NM_001205294.2); short protein forms M120K.
Identifiers: ClinVar variation 4881645 (VCV004881645.2).

ClinVar aggregate classification (germline): Uncertain significance (1 of 4 stars; one submission).

Conditions:
Developmental and epileptic encephalopathy, 69. Also called: EPILEPTIC ENCEPHALOPATHY, EARLY INFANTILE, 69. Identifiers: MedGen C4748988, MONDO:0032657, OMIM 618285.

Submission:

Dasa
Classification: Uncertain significance for Developmental and epileptic encephalopathy, 69. Last evaluated: 2025-04-08. Review status: criteria provided, single submitter. Criteria: DASA Assertion Criteria. Collection method: clinical testing. Allele origin: germline.
Comment: NM_001205293.3(CACNA1E):c.359T>A (p.Met120Lys) is a missense variant that results in the substitution of methionine with lysine. This variant is rare in population databases. The currently available literature and clinical evidence are not sufficient to establish a definitive association between this variant and the reported condition. Therefore, this variant is classified as a variant of uncertain significance.